The following is an entry in ClinVar:

ClinVar aggregate classification (germline): Pathogenic (1 of 4 stars; one submission).

Submission:

Labcorp Genetics (formerly Invitae), Labcorp
Classification: Pathogenic. Last evaluated: 2024-03-01. Review status: criteria provided, single submitter. Criteria: Invitae Variant Classification Sherloc (09022015). Collection method: clinical testing. Allele origin: germline.
Comment: This sequence change creates a premature translational stop signal (p.Phe197Leufs*12) in the LOXHD1 gene. It is expected to result in an absent or disrupted protein product. Loss-of-function variants in LOXHD1 are known to be pathogenic (PMID: 19732867, 21465660, 25792669). This variant is not present in population databases (gnomAD no frequency). This variant has not been reported in the literature in individuals affected with LOXHD1-related conditions. For these reasons, this variant has been classified as Pathogenic.

Literature cited by the submitters: PubMed 19732867; PubMed 21465660; PubMed 25792669.

NM_001384474.1(LOXHD1):c.591del (p.Phe197fs)

Gene: LOXHD1 (lipoxygenase homology PLAT domains 1; minus strand). Cytogenetic location: 18q21.1.
Variant type: Deletion.
Coding change: c.591del on transcript NM_001384474.1 (MANE Select); coding-DNA position 591, one base deleted (T; older notation c.591delT).
Protein change: p.Phe197fs; shifts the reading frame from phenylalanine 197.
Molecular consequence: frameshift variant.
Genome position (GRCh38, 1-based): chr18:46,618,211, A deleted on the plus strand (T on the coding strand, the reverse complement: LOXHD1 is on the minus strand); the first of 5 consecutive A bases (chr18:46,618,211-46,618,215); deleting any one gives the same sequence. VCF-style (leftmost placement, unchanged base first): chr18-46618210-CA-C. GRCh37 (hg19) VCF-style: chr18-44198173-CA-C.
Other names: c.591del, p.Phe197fs (NM_144612.7); short protein forms F197fs.
Identifiers: ClinVar variation 3643907 (VCV003643907.2).
Genomic context (GRCh38, chr18:46,618,210, plus strand): 5'-TCCTGGGCTTGGCTTATGAAAAAAATAATTCAAACCCATTACCTGTGTCTCCATACTCTC[CA>C]AAAATATTGATGAAGACATCAGCATCTGTCCCTGCACCAATTACATCACCAGTGTATACC-3'